The following is an entry in ClinVar:

NM_013447.4(ADGRE2):c.1663G>T (p.Ala555Ser)

Gene: ADGRE2 (adhesion G protein-coupled receptor E2; minus strand). Cytogenetic location: 19p13.12.
Variant type: single nucleotide variant.
Coding change: c.1663G>T on transcript NM_013447.4 (MANE Select); coding-DNA position 1663, G replaced by T.
Protein change: p.Ala555Ser; replaces alanine 555 with serine.
Molecular consequence: missense variant.
Genome position (GRCh38, 1-based): chr19:14,752,454, C>A on the plus strand (G>T on the coding strand, the complement: ADGRE2 is on the minus strand). VCF-style: chr19-14752454-C-A. GRCh37 (hg19) VCF-style: chr19-14863266-C-A.
Other names: c.1489G>T, p.Ala497Ser (NM_001271052.1); c.1516G>T, p.Ala506Ser (NM_152916.2); c.1384G>T, p.Ala462Ser (NM_152917.2); short protein forms A506S, A462S, A555S, A497S.
Identifiers: ClinVar variation 4015079 (VCV004015079.2).

ClinVar aggregate classification (germline): Uncertain significance. Review status: criteria provided, multiple submitters, no conflicts (2 of 4 stars). 2 submissions from 2 submitters: Uncertain significance (2). Last evaluated 2025-05-19.

Submissions (2):

Ambry Genetics
Classification: Uncertain significance. Last evaluated: 2025-05-19. Review status: criteria provided, single submitter. Criteria: Ambry Variant Classification Scheme 2023. Collection method: clinical testing. Allele origin: germline.

Labcorp Genetics (formerly Invitae), Labcorp
Classification: Uncertain significance. Last evaluated: 2025-02-23. Review status: criteria provided, single submitter. Criteria: Invitae Variant Classification Sherloc (09022015). Collection method: clinical testing. Allele origin: germline.
Comment: This sequence change replaces alanine, which is neutral and non-polar, with serine, which is neutral and polar, at codon 555 of the ADGRE2 protein (p.Ala555Ser). This variant is present in population databases (rs779657145, gnomAD 0.004%). This variant has not been reported in the literature in individuals affected with ADGRE2-related conditions. An algorithm developed to predict the effect of missense changes on protein structure and function (PolyPhen-2) suggests that this variant is likely to be disruptive. In summary, the available evidence is currently insufficient to determine the role of this variant in disease. Therefore, it has been classified as a Variant of Uncertain Significance.